The following is an entry in ClinVar:

ClinVar aggregate classification (germline): Pathogenic (1 of 4 stars; one submission).

Conditions:
Ehlers-Danlos syndrome, kyphoscoliotic type 1 (EDSKSCL1). Also called: EHLERS-DANLOS SYNDROME, TYPE VIA; PLOD1-Related Kyphoscoliotic Ehlers-Danlos Syndrome; Ehlers-Danlos syndrome, hydroxylysine-deficient; EHLERS-DANLOS SYNDROME, OCULAR-SCOLIOTIC TYPE. Identifiers: Orphanet 1900, MedGen C0268342, MONDO:0016002, OMIM 225400. Disease mechanism: loss of function.

Submission:

Labcorp Genetics (formerly Invitae), Labcorp
Classification: Pathogenic for Ehlers-Danlos syndrome, kyphoscoliotic type 1. Last evaluated: 2024-10-16. Review status: criteria provided, single submitter. Criteria: Invitae Variant Classification Sherloc (09022015). Collection method: clinical testing. Allele origin: germline.
Comment: This sequence change creates a premature translational stop signal (p.Glu62Argfs*20) in the PLOD1 gene. It is expected to result in an absent or disrupted protein product. Loss-of-function variants in PLOD1 are known to be pathogenic (PMID: 10874315, 21699693). This variant is not present in population databases (gnomAD no frequency). This variant has not been reported in the literature in individuals affected with PLOD1-related conditions. For these reasons, this variant has been classified as Pathogenic.

Literature cited by the submitters: PubMed 10874315; PubMed 21699693.

NM_000302.4(PLOD1):c.180del (p.Glu62fs)

Gene: PLOD1 (procollagen-lysine,2-oxoglutarate 5-dioxygenase 1; plus strand). Cytogenetic location: 1p36.22.
Variant type: Deletion.
Coding change: c.180del on transcript NM_000302.4 (MANE Select); coding-DNA position 180, one base deleted (A; older notation c.180delA).
Protein change: p.Glu62fs; shifts the reading frame from glutamic acid 62.
Molecular consequence: frameshift variant.
Genome position (GRCh38, 1-based): chr1:11,949,784, A deleted. VCF-style (leftmost placement, unchanged base first): chr1-11949783-TA-T. GRCh37 (hg19) VCF-style: chr1-12009840-TA-T.
Other names: c.321del, p.Glu109fs (NM_001316320.2); short protein forms E109fs, E62fs.
Identifiers: ClinVar variation 2735026 (VCV002735026.3), dbSNP rs2522804871, ClinGen allele CA2574215833.